The following is an entry in ClinVar:

NM_182914.3(SYNE2):c.8842T>C (p.Phe2948Leu)

Gene: SYNE2 (spectrin repeat containing nuclear envelope protein 2; plus strand). Cytogenetic location: 14q23.2.
Variant type: single nucleotide variant.
Coding change: c.8842T>C on transcript NM_182914.3 (MANE Select); coding-DNA position 8842, T replaced by C.
Protein change: p.Phe2948Leu; replaces phenylalanine 2948 with leucine.
Molecular consequence: missense variant.
Genome position (GRCh38, 1-based): chr14:64,052,755, T>C. VCF-style: chr14-64052755-T-C. GRCh37 (hg19) VCF-style: chr14-64519473-T-C.
Other names: c.8842T>C, p.Phe2948Leu (NM_015180.6); short protein forms F2948L.
Identifiers: ClinVar variation 1384944 (VCV001384944.8), dbSNP rs1274158681, ClinGen allele CA389971997.

ClinVar aggregate classification (germline): Uncertain significance (1 of 4 stars; one submission).

Conditions:
Emery-Dreifuss muscular dystrophy 5, autosomal dominant (EDMD5). Also called: EMERY-DREIFUSS MUSCULAR DYSTROPHY 5. Identifiers: Orphanet 261, MedGen C2751805, MONDO:0013072, OMIM 612999.

Allele frequency attached by ClinVar (database versions not stated): gnomAD exomes below 0.00001; gnomAD 0.00001; TOPMed 0.00001.
gnomAD v4.1: 4 of 1,612,242 alleles (0.00025%); highest among the groups gnomAD compares: Admixed American, 0.0034%; no homozygotes.

Submission:

Labcorp Genetics (formerly Invitae), Labcorp
Classification: Uncertain significance for Emery-Dreifuss muscular dystrophy 5, autosomal dominant. Last evaluated: 2022-07-19. Review status: criteria provided, single submitter. Criteria: Invitae Variant Classification Sherloc (09022015). Collection method: clinical testing. Allele origin: germline.
Comment: In summary, the available evidence is currently insufficient to determine the role of this variant in disease. Therefore, it has been classified as a Variant of Uncertain Significance. Algorithms developed to predict the effect of missense changes on protein structure and function output the following: SIFT: "Tolerated"; PolyPhen-2: "Benign"; Align-GVGD: "Class C0". The leucine amino acid residue is found in multiple mammalian species, which suggests that this missense change does not adversely affect protein function. ClinVar contains an entry for this variant (Variation ID: 1384944). This variant has not been reported in the literature in individuals affected with SYNE2-related conditions. This variant is present in population databases (no rsID available, gnomAD 0.003%). This sequence change replaces phenylalanine, which is neutral and non-polar, with leucine, which is neutral and non-polar, at codon 2948 of the SYNE2 protein (p.Phe2948Leu).